The following is an entry in ClinVar:

ClinVar aggregate classification (germline): Likely pathogenic (1 of 4 stars; one submission).

Conditions:
Hereditary cancer-predisposing syndrome. Also called: Neoplastic Syndromes, Hereditary; Tumor predisposition; Hereditary Cancer Syndrome; Hereditary neoplastic syndrome. Identifiers: Orphanet 140162, MedGen C0027672, MeSH D009386, MONDO:0015356.

Submission:

Ambry Genetics
Classification: Likely pathogenic for Hereditary cancer-predisposing syndrome. Last evaluated: 2025-12-22. Review status: criteria provided, single submitter. Criteria: Ambry Variant Classification Scheme 2023. Collection method: clinical testing. Allele origin: germline.
Comment: The p.L432R variant (also known as c.1295T>G), located in coding exon 8 of the MEN1 gene, results from a T to G substitution at nucleotide position 1295. The leucine at codon 432 is replaced by arginine, an amino acid with dissimilar properties. This variant was reported in individual(s) with features consistent with multiple endocrine neoplasia type 1 (Ambry internal data). Another variant at the same codon, p.L432P (c.1295T>C), has been identified in individual(s) with features consistent with multiple endocrine neoplasia type 1 (Ambry internal data). This amino acid position is highly conserved in available vertebrate species. In addition, this alteration is predicted to be deleterious by in silico analysis. Based on the majority of available evidence to date, this variant is likely to be pathogenic.

NM_001370259.2(MEN1):c.1295T>G (p.Leu432Arg)

Gene: MEN1 (menin 1; minus strand). Cytogenetic location: 11q13.1.
Variant type: single nucleotide variant.
Coding change: c.1295T>G on transcript NM_001370259.2 (MANE Select); coding-DNA position 1295, T replaced by G.
Protein change: p.Leu432Arg; replaces leucine 432 with arginine.
Molecular consequence: missense variant. On other transcripts: non-coding transcript variant (4), intron variant (1).
Genome position (GRCh38, 1-based): chr11:64,805,089, A>C on the plus strand (T>G on the coding strand, the complement: MEN1 is on the minus strand). VCF-style: chr11-64805089-A-C. GRCh37 (hg19) VCF-style: chr11-64572561-A-C.
Other names: c.1316T>G, p.Leu439Arg (NM_001407151.1); c.1295T>G, p.Leu432Arg (NM_130799.3, NM_001370260.2, NM_001370261.2 and 2 more transcripts); c.1310T>G, p.Leu437Arg (NM_130800.3, NM_130801.3, NM_130802.3 and 4 more transcripts); c.1186-273T>G (NM_001407152.1); c.1421T>G, p.Leu474Arg (NM_001370251.2, NM_001407142.1, NM_001407143.1 and 1 more transcripts); c.1190T>G, p.Leu397Arg (NM_001370262.2, NM_001370263.2, NM_001407148.1 and 1 more transcripts); c.1436T>G, p.Leu479Arg (NM_001407150.1); short protein forms L397R, L479R, L432R, L437R, L439R, L474R.
Identifiers: ClinVar variation 4842465 (VCV004842465.1).